The following is an entry in ClinVar:

NM_182493.3(MYLK3):c.1A>G (p.Met1Val)

Gene: MYLK3 (myosin light chain kinase 3; minus strand). Cytogenetic location: 16q11.2.
Variant type: single nucleotide variant.
Coding change: c.1A>G on transcript NM_182493.3 (MANE Select); coding-DNA position 1, A replaced by G.
Protein change: p.Met1Val; changes the start codon (methionine 1).
Molecular consequence: missense variant, initiator codon variant. On other transcripts: intron variant (1).
Genome position (GRCh38, 1-based): chr16:46,748,193, T>C on the plus strand (A>G on the coding strand, the complement: MYLK3 is on the minus strand). VCF-style: chr16-46748193-T-C. GRCh37 (hg19) VCF-style: chr16-46782105-T-C.
Other names: c.-113-8046A>G (NM_001308301.1); short protein forms M1V.
Identifiers: ClinVar variation 1439336 (VCV001439336.6), dbSNP rs2143017267, ClinGen allele CA395799400.
Genomic context (GRCh38, chr16:46,748,193, plus strand): 5'-AGGTCTTGCCCAACCCTGGCAGCCCCCCATGCCCCAGACTCTCCTTGGAGGTTCCTGACA[T>C]GCTGGTGCAGGCTTGACAAGGGCAAGAGCGGGGAATGAGGAGAGGCACAGACCCCTGGTT-3'
Protein context (NP_872299.2, residues 1-11): [Met1Val]SGTSKESLGH

ClinVar aggregate classification (germline): Uncertain significance (1 of 4 stars; one submission).

Submission:

Labcorp Genetics (formerly Invitae), Labcorp
Classification: Uncertain significance. Last evaluated: 2021-07-21. Review status: criteria provided, single submitter. Criteria: Invitae Variant Classification Sherloc (09022015). Collection method: clinical testing. Allele origin: germline.
Comment: This variant has not been reported in the literature in individuals affected with MYLK3-related conditions. In summary, the available evidence is currently insufficient to determine the role of this variant in disease. Therefore, it has been classified as a Variant of Uncertain Significance. Experimental studies and prediction algorithms are not available or were not evaluated, and the functional significance of this variant is currently unknown. This variant is not present in population databases (ExAC no frequency). This sequence change affects the initiator methionine of the MYLK3 mRNA. The next in-frame methionine is located at codon 25.